The following is an entry in ClinVar:

NM_001128178.3(NPHP1):c.1033A>C (p.Ile345Leu)

Gene: NPHP1 (nephrocystin 1; minus strand). Cytogenetic location: 2q13.
Variant type: single nucleotide variant.
Coding change: c.1033A>C on transcript NM_001128178.3 (MANE Select); coding-DNA position 1033, A replaced by C.
Protein change: p.Ile345Leu; replaces isoleucine 345 with leucine.
Molecular consequence: missense variant.
Genome position (GRCh38, 1-based): chr2:110,160,177, T>G on the plus strand (A>C on the coding strand, the complement: NPHP1 is on the minus strand). VCF-style: chr2-110160177-T-G. GRCh37 (hg19) VCF-style: chr2-110917754-T-G.
Other names: c.1201A>C, p.Ile401Leu (NM_000272.5); c.844A>C, p.Ile282Leu (NM_001128179.3); c.1030A>C, p.Ile344Leu (NM_001374256.1); c.1033A>C, p.Ile345Leu (NM_001374257.1); c.1198A>C, p.Ile400Leu (NM_207181.4); short protein forms I345L, I400L, I282L, I344L, I401L.
Identifiers: ClinVar variation 1407182 (VCV001407182.8), dbSNP rs1365124220, ClinGen allele CA348089541.
Genomic context (GRCh38, chr2:110,160,177, plus strand): 5'-GTAACCTTACCTTATTACCATCAAATAGACAGAGGCGTACATGTCTGCTGAGAACCTGTA[T>G]GCTCATTCCTGGAAGAGGAATCATTTTACAGCTCCATAATGTCAGAATCAATGAAATACG-3'
Protein context (NP_001121650.1, residues 335-355): CKMIPLPGMS[Ile345Leu]QVLSRHVRLC

ClinVar aggregate classification (germline): Uncertain significance (1 of 4 stars; one submission).

Conditions:
Nephronophthisis. Also called: Juvenile Nephronophthisis. Identifiers: Orphanet 655, MedGen C0687120, MONDO:0019005, HP:0000090.

Submission:

Labcorp Genetics (formerly Invitae), Labcorp
Classification: Uncertain significance for Nephronophthisis. Last evaluated: 2022-02-02. Review status: criteria provided, single submitter. Criteria: Invitae Variant Classification Sherloc (09022015). Collection method: clinical testing. Allele origin: germline.
Comment: In summary, the available evidence is currently insufficient to determine the role of this variant in disease. Therefore, it has been classified as a Variant of Uncertain Significance. Algorithms developed to predict the effect of missense changes on protein structure and function output the following: SIFT: "Tolerated"; PolyPhen-2: "Benign"; Align-GVGD: "Class C0". The leucine amino acid residue is found in multiple mammalian species, which suggests that this missense change does not adversely affect protein function. This variant has not been reported in the literature in individuals affected with NPHP1-related conditions. This variant is not present in population databases (gnomAD no frequency). This sequence change replaces isoleucine, which is neutral and non-polar, with leucine, which is neutral and non-polar, at codon 401 of the NPHP1 protein (p.Ile401Leu).